The following is an entry in ClinVar:

NM_003200.5(TCF3):c.1438G>A (p.Asp480Asn)

Gene: TCF3 (transcription factor 3; minus strand). Cytogenetic location: 19p13.3.
Variant type: single nucleotide variant.
Coding change: c.1438G>A on transcript NM_003200.5 (MANE Select); coding-DNA position 1438, G replaced by A.
Protein change: p.Asp480Asn; replaces aspartic acid 480 with asparagine.
Molecular consequence: missense variant.
Genome position (GRCh38, 1-based): chr19:1,619,123, C>T on the plus strand (G>A on the coding strand, the complement: TCF3 is on the minus strand). VCF-style: chr19-1619123-C-T. GRCh37 (hg19) VCF-style: chr19-1619122-C-T.
Other names: c.1438G>A, p.Asp480Asn (NM_001136139.4, NM_001351779.2); c.1435G>A, p.Asp479Asn (NM_001351778.2); c.1438G>A (NM_003200.3); short protein forms D479N, D480N.
Identifiers: ClinVar variation 1649621 (VCV001649621.10), dbSNP rs374172636, ClinGen allele CA9049853.
Genomic context (GRCh38, chr19:1,619,123, plus strand): 5'-TCCCCAACTGGAACCAGGAGTCGGACAGTCCCAAGCTCAAGGGCTTACCACTGTAGGAGT[C>T]GGGAGGCCGAGACAGGTCAGGGAGGGTGCCTGGCTGGCTGGGGAGGGCCGCGTGGTTGTG-3'
Protein context (NP_003191.1, residues 470-490): GTLPDLSRPP[Asp480Asn]SYSGLGRAGA

ClinVar aggregate classification (germline): Benign/Likely benign. Review status: criteria provided, multiple submitters, no conflicts (2 of 4 stars). 3 submissions from 3 submitters: Benign (1); Likely benign (2). Last evaluated 2026-01-24.

Conditions:
TCF3-related disorder. Also called: TCF3-related condition.

Allele frequency attached by ClinVar (database versions not stated): ESP Exome Variant Server 0.00008; gnomAD 0.00009 and 0.00018; TOPMed 0.00014; gnomAD exomes 0.00040 and 0.00062; 1000 Genomes Project 30x 0.00062; ExAC 0.00070; 1000 Genomes Project 0.00080.
gnomAD v4.1: 599 of 1,599,494 alleles (0.037%); highest among the groups gnomAD compares: South Asian, 0.35%; 9 homozygotes.

Submissions (3):

Labcorp Genetics (formerly Invitae), Labcorp
Classification: Benign. Last evaluated: 2026-01-24. Review status: criteria provided, single submitter. Criteria: Invitae Variant Classification Sherloc (09022015). Collection method: clinical testing. Allele origin: germline.

PreventionGenetics, part of Exact Sciences
Classification: Likely benign for TCF3-related condition. Last evaluated: 2025-05-16. Review status: criteria provided, single submitter. Criteria: ACMG Guidelines, 2015. Collection method: clinical testing. Allele origin: germline.
Comment: This variant is classified as likely benign based on ACMG/AMP sequence variant interpretation guidelines (Richards et al. 2015 PMID: 25741868, with internal and published modifications).

Blueprint Genetics
Classification: Likely benign. Last evaluated: 2024-09-24. Review status: criteria provided, single submitter. Criteria: ACMG Guidelines, 2015. Collection method: clinical testing. Allele origin: germline.